The following is an entry in ClinVar:

ClinVar aggregate classification (germline): Likely benign. Review status: criteria provided, multiple submitters, no conflicts (2 of 4 stars). 4 submissions from 4 submitters: Likely benign (3). 1 of the submissions does not count toward it. Last evaluated 2025-06-02.

Conditions:
Kabuki syndrome. Also called: Kabuki make-up syndrome; NIIKAWA-KUROKI SYNDROME. Identifiers: Orphanet 2322, MedGen C0796004, MONDO:0016512.
KMT2D-related disorder. Also called: KMT2D-Related Disorders.

Allele frequency attached by ClinVar (database versions not stated): gnomAD 0.00002.

Submissions (4):

Labcorp Genetics (formerly Invitae), Labcorp
Classification: Likely benign for Kabuki syndrome. Last evaluated: 2025-06-02. Review status: criteria provided, single submitter. Criteria: Invitae Variant Classification Sherloc (09022015). Collection method: clinical testing. Allele origin: germline.

Blueprint Genetics
Classification: Likely benign. Last evaluated: 2023-03-28. Review status: criteria provided, single submitter. Criteria: ACMG Guidelines, 2015. Collection method: clinical testing. Allele origin: germline.

GeneDx
Classification: Likely benign. Last evaluated: 2020-12-02. Review status: criteria provided, single submitter. Criteria: GeneDx Variant Classification Process June 2021. Collection method: clinical testing. Allele origin: germline. Affected: yes.

PreventionGenetics, part of Exact Sciences
Classification: Likely benign for KMT2D-related condition. Last evaluated: 2022-10-31. Review status: no assertion criteria provided. Collection method: clinical testing. Allele origin: germline. Not counted in ClinVar's aggregate classification.
Comment: This variant is classified as likely benign based on ACMG/AMP sequence variant interpretation guidelines (Richards et al. 2015 PMID: 25741868, with internal and published modifications).

NM_003482.4(KMT2D):c.5084-7C>T

Gene: KMT2D (lysine methyltransferase 2D; minus strand). Cytogenetic location: 12q13.12.
Variant type: single nucleotide variant.
Coding change: c.5084-7C>T on transcript NM_003482.4 (MANE Select); 7 bases into the intron before coding-DNA position 5084, C replaced by T.
Molecular consequence: intron variant.
Genome position (GRCh38, 1-based): chr12:49,044,311, G>A on the plus strand (C>T on the coding strand, the complement: KMT2D is on the minus strand). VCF-style: chr12-49044311-G-A. GRCh37 (hg19) VCF-style: chr12-49438094-G-A.
Other names: c.5084-7C>T (NM_003482.3).
Identifiers: ClinVar variation 1181500 (VCV001181500.13), dbSNP rs1175678091, ClinGen allele CA689534565.